The following is an entry in ClinVar:

ClinVar aggregate classification (germline): Uncertain significance. Review status: criteria provided, multiple submitters, no conflicts (2 of 4 stars). 2 submissions from 2 submitters: Uncertain significance (2). Last evaluated 2025-06-26.

Conditions:
Walker-Warburg congenital muscular dystrophy. Also called: Muscular dystrophy-dystroglycanopathy, type A; Walker-Warburg syndrome. Identifiers: Orphanet 899, MedGen C0265221, MONDO:0000171.
Cardiovascular phenotype. Identifiers: MedGen CN230736.

Submissions (2):

Ambry Genetics
Classification: Uncertain significance for Cardiovascular phenotype. Last evaluated: 2025-06-26. Review status: criteria provided, single submitter. Criteria: Ambry Variant Classification Scheme 2023. Collection method: clinical testing. Allele origin: germline.
Comment: The c.540_541delCCinsTA variant (also known as p.R181S), located in coding exon 1 of the FKRP gene, results from an in-frame deletion of CC and insertion of TA at nucleotide positions 540 to 541. This results in the substitution of the arginine residue for a serine residue at codon 181, an amino acid with dissimilar properties. This variant has been reported in a genetic testing cohort (Dellefave-Castillo LM et al. JAMA Cardiol, 2022 Sep;7:966-974). This amino acid position is not well conserved in available vertebrate species. In addition, this alteration is predicted to be neutral by in silico analysis (Choi Y et al. PLoS ONE. 2012; 7(10):e46688). Since supporting evidence is limited at this time, the clinical significance of this alteration remains unclear.

Labcorp Genetics (formerly Invitae), Labcorp
Classification: Uncertain significance for Walker-Warburg congenital muscular dystrophy. Last evaluated: 2022-05-05. Review status: criteria provided, single submitter. Criteria: Invitae Variant Classification Sherloc (09022015). Collection method: clinical testing. Allele origin: germline.
Comment: This sequence change replaces arginine, which is basic and polar, with serine, which is neutral and polar, at codon 181 of the FKRP protein (p.Arg181Ser). Information on the frequency of this variant in the gnomAD database is not available, as this variant may be reported differently in the database. This variant has not been reported in the literature in individuals affected with FKRP-related conditions. ClinVar contains an entry for this variant (Variation ID: 565547). Algorithms developed to predict the effect of missense changes on protein structure and function output the following: SIFT: "Not Available"; PolyPhen-2: "Not Available"; Align-GVGD: "Not Available". The serine amino acid residue is found in multiple mammalian species, which suggests that this missense change does not adversely affect protein function. In summary, the available evidence is currently insufficient to determine the role of this variant in disease. Therefore, it has been classified as a Variant of Uncertain Significance.

Literature cited by the submitters: PubMed 35947370 (cited by Ambry Genetics).

NM_024301.5(FKRP):c.540_541delinsTA (p.Arg181Ser)

Gene: FKRP (fukutin related protein; plus strand). Cytogenetic location: 19q13.32.
Variant type: Indel.
Coding change: c.540_541delinsTA on transcript NM_024301.5 (MANE Select); coding-DNA positions 540 to 541, CC replaced by TA.
Protein change: p.Arg181Ser; replaces arginine 181 with serine.
Molecular consequence: missense variant.
Genome position (GRCh38, 1-based): chr19:46,755,990-46,755,991, CC replaced by TA. VCF-style: chr19-46755990-CC-TA. GRCh37 (hg19) VCF-style: chr19-47259247-CC-TA.
Other names: c.540_541delinsTA, p.Arg181Ser (NM_001039885.3); short protein forms R181S.
Identifiers: ClinVar variation 565547 (VCV000565547.8), dbSNP rs1568418289, ClinGen allele CA891844242.
Genomic context (GRCh38, chr19:46,755,990, plus strand): 5'-TGCCACGGCCAACCCTGCCAGGTGCCTGGCCCTGAACGTCAGCCTGCGAGAGTGGACCGC[CC>TA]GCTATGGCGCAGCCCCCGCCGCGCCCCGCTGCGACGCCCTGGACGGAGATGCTGTGGTGC-3'
Protein context (NP_077277.1, residues 171-191): LNVSLREWTA[Arg181Ser]YGAAPAAPRC